The following is an entry in ClinVar:

ClinVar aggregate classification (germline): Conflicting classifications of pathogenicity. Review status: criteria provided, conflicting classifications (1 of 4 stars). 2 submissions from 2 submitters: Uncertain significance (1); Likely benign (1). Last evaluated 2025-02-16.

Allele frequency attached by ClinVar (database versions not stated): TOPMed below 0.00001; gnomAD 0.00001; gnomAD exomes 0.00001.
gnomAD v4.1: 12 of 1,613,872 alleles (0.00074%); highest among the groups gnomAD compares: Non-Finnish European, 0.001%; no homozygotes.

Submissions (2):

Laboratory of Genetics, Children's Clinical University Hospital Latvia
Classification: Likely benign. Last evaluated: 2025-02-16. Review status: criteria provided, single submitter. Criteria: ACMG Guidelines, 2015. Collection method: clinical testing. Allele origin: germline. Affected: yes.

Labcorp Genetics (formerly Invitae), Labcorp
Classification: Uncertain significance. Last evaluated: 2023-08-17. Review status: criteria provided, single submitter. Criteria: Invitae Variant Classification Sherloc (09022015). Collection method: clinical testing. Allele origin: germline.
Comment: In summary, the available evidence is currently insufficient to determine the role of this variant in disease. Therefore, it has been classified as a Variant of Uncertain Significance. Advanced modeling of protein sequence and biophysical properties (such as structural, functional, and spatial information, amino acid conservation, physicochemical variation, residue mobility, and thermodynamic stability) performed at Invitae indicates that this missense variant is not expected to disrupt WNT5A protein function. ClinVar contains an entry for this variant (Variation ID: 1958715). This variant has not been reported in the literature in individuals affected with WNT5A-related conditions. This variant is present in population databases (no rsID available, gnomAD 0.0009%). This sequence change replaces glutamine, which is neutral and polar, with arginine, which is basic and polar, at codon 321 of the WNT5A protein (p.Gln321Arg).

NM_003392.7(WNT5A):c.962A>G (p.Gln321Arg)

Gene: WNT5A (Wnt family member 5A; minus strand). Cytogenetic location: 3p14.3.
Variant type: single nucleotide variant.
Coding change: c.962A>G on transcript NM_003392.7 (MANE Select); coding-DNA position 962, A replaced by G.
Protein change: p.Gln321Arg; replaces glutamine 321 with arginine.
Molecular consequence: missense variant.
Genome position (GRCh38, 1-based): chr3:55,470,273, T>C on the plus strand (A>G on the coding strand, the complement: WNT5A is on the minus strand). VCF-style: chr3-55470273-T-C. GRCh37 (hg19) VCF-style: chr3-55504301-T-C.
Other names: c.917A>G, p.Gln306Arg (NM_001256105.1, NM_001377271.1, NM_001377272.1); short protein forms Q306R, Q321R.
Identifiers: ClinVar variation 1958715 (VCV001958715.6), dbSNP rs946840827, ClinGen allele CA74917594.